The following is an entry in ClinVar:

NM_021120.4(DLG3):c.532G>T (p.Gly178Trp)

Gene: DLG3 (discs large MAGUK scaffold protein 3; plus strand). Cytogenetic location: Xq13.1.
Variant type: single nucleotide variant.
Coding change: c.532G>T on transcript NM_021120.4 (MANE Select); coding-DNA position 532, G replaced by T.
Protein change: p.Gly178Trp; replaces glycine 178 with tryptophan.
Molecular consequence: missense variant.
Genome position (GRCh38, 1-based): chrX:70,449,482, G>T. VCF-style: chrX-70449482-G-T. GRCh37 (hg19) VCF-style: chrX-69669332-G-T.
Other names: short protein forms G178W.
Identifiers: ClinVar variation 219178 (VCV000219178.3), dbSNP rs864321655, ClinGen allele CA279937.
Genomic context (GRCh38, chrX:70,449,482, plus strand): 5'-CCTGGCATCTTTATTACCAAGATTATCCCTGGTGGAGCAGCTGCCATGGATGGGAGGCTG[G>T]GGTGAGATGGCCTGGAAGCAGGGTTGTGGGTGGCAGGGACAGGATCGAGATGAGGGGAGG-3'
Protein context (NP_066943.2, residues 168-188): GGAAAMDGRL[Gly178Trp]VNDCVLRVNE

ClinVar aggregate classification (germline): Uncertain significance (1 of 4 stars; one submission).

Conditions:
Intellectual developmental disorder, X-linked 90. Also called: DLG3-Related X-Linked Nonsyndromic Mental Retardation; Intellectual disability, X-linked 90. Identifiers: Orphanet 777, MedGen C3275443, MONDO:0010452, OMIM 300850.

Allele frequency attached by ClinVar (database versions not stated): gnomAD exomes 0.00001.

Submission:

Strand Center for Genomics and Personalized Medicine, Strand Life Sciences Pvt Ltd
Classification: Uncertain significance for Intellectual developmental disorder, X-linked 90. Review status: criteria provided, single submitter. Criteria: Strand Life Sciences Variant classification assertion Criteria. Collection method: clinical testing. Allele origin: germline. Inheritance: X-linked inheritance. Affected: yes. Observed: 1 variant allele, 1 hemizygote.
Comment: The novel hemizygous DLG3 variant, p.Gly178Trp, alters a highly conserved residue.

Literature cited by the submitters: PubMed 23020937.